The following is an entry in ClinVar:

ClinVar aggregate classification (germline): Uncertain significance. Review status: criteria provided, multiple submitters, no conflicts (2 of 4 stars). 2 submissions from 2 submitters: Uncertain significance (2). Last evaluated 2025-10-10.

Conditions:
Hereditary cancer-predisposing syndrome. Also called: Neoplastic Syndromes, Hereditary; Hereditary neoplastic syndrome; Tumor predisposition; Hereditary Cancer Syndrome. Identifiers: Orphanet 140162, MedGen C0027672, MeSH D009386, MONDO:0015356.
Familial adenomatous polyposis 1 (FAP1). Also called: FAMILIAL ADENOMATOUS POLYPOSIS 1, ATTENUATED; POLYPOSIS, ADENOMATOUS INTESTINAL. Identifiers: MedGen C2713442, MONDO:0021056, OMIM 175100. Disease mechanism: loss of function.

Submissions (2):

Ambry Genetics
Classification: Uncertain significance for Hereditary cancer-predisposing syndrome. Last evaluated: 2025-10-10. Review status: criteria provided, single submitter. Criteria: Ambry Variant Classification Scheme 2023. Collection method: clinical testing. Allele origin: germline.
Comment: The p.L2144V variant (also known as c.6430C>G), located in coding exon 15 of the APC gene, results from a C to G substitution at nucleotide position 6430. The leucine at codon 2144 is replaced by valine, an amino acid with highly similar properties. This amino acid position is highly conserved in available vertebrate species. In addition, in silico predictors for this gene do not accurately predict pathogenicity. Missense variants in APC are not a common cause of disease (Spier I et al. Genet Med. 2024 Feb;26(2):100992). Based on the available evidence, the clinical significance of this variant remains unclear.

Labcorp Genetics (formerly Invitae), Labcorp
Classification: Uncertain significance for Familial adenomatous polyposis 1. Last evaluated: 2023-02-10. Review status: criteria provided, single submitter. Criteria: Invitae Variant Classification Sherloc (09022015). Collection method: clinical testing. Allele origin: germline.
Comment: This sequence change replaces leucine, which is neutral and non-polar, with valine, which is neutral and non-polar, at codon 2144 of the APC protein (p.Leu2144Val). This variant is not present in population databases (gnomAD no frequency). This variant has not been reported in the literature in individuals affected with APC-related conditions. Advanced modeling of protein sequence and biophysical properties (such as structural, functional, and spatial information, amino acid conservation, physicochemical variation, residue mobility, and thermodynamic stability) performed at Invitae indicates that this missense variant is not expected to disrupt APC protein function. In summary, the available evidence is currently insufficient to determine the role of this variant in disease. Therefore, it has been classified as a Variant of Uncertain Significance.

NM_000038.6(APC):c.6430C>G (p.Leu2144Val)

Gene: APC (APC regulator of Wnt signaling pathway; plus strand). Cytogenetic location: 5q22.2.
Variant type: single nucleotide variant.
Coding change: c.6430C>G on transcript NM_000038.6 (MANE Select); coding-DNA position 6430, C replaced by G.
Protein change: p.Leu2144Val; replaces leucine 2144 with valine.
Molecular consequence: missense variant. On other transcripts: non-coding transcript variant (2).
Genome position (GRCh38, 1-based): chr5:112,842,024, C>G. VCF-style: chr5-112842024-C-G. GRCh37 (hg19) VCF-style: chr5-112177721-C-G.
Other names: c.6430C>G, p.Leu2144Val (NM_001127510.3, NM_001407450.1, NM_001354895.2); c.6181C>G, p.Leu2061Val (NM_001407456.1, NM_001407457.1, NM_001407454.1 and 1 more transcripts); c.6127C>G, p.Leu2043Val (NM_001407458.1, NM_001407459.1, NM_001354903.2 and 1 more transcripts); c.6307C>G, p.Leu2103Val (NM_001354900.2); c.6253C>G, p.Leu2085Val (NM_001354901.2, NM_001407453.1); c.6157C>G, p.Leu2053Val (NM_001354902.2); c.6052C>G, p.Leu2018Val (NM_001354904.2); c.5950C>G, p.Leu1984Val (NM_001354905.2); and 12 more; short protein forms L1760V, L1984V, L2043V, L2061V, L2103V, L2144V, L2162V, L2015V.
Identifiers: ClinVar variation 2890700 (VCV002890700.4), dbSNP rs1226263568, ClinGen allele CA16035404.